The following is an entry in ClinVar:

NM_000275.3(OCA2):c.1811G>A (p.Trp604Ter)

Gene: OCA2 (OCA2 melanosomal transmembrane protein; minus strand). Cytogenetic location: 15q13.1.
Variant type: single nucleotide variant.
Coding change: c.1811G>A on transcript NM_000275.3 (MANE Select); coding-DNA position 1811, G replaced by A.
Protein change: p.Trp604Ter; replaces tryptophan 604 with a stop codon.
Molecular consequence: nonsense.
Genome position (GRCh38, 1-based): chr15:27,955,189, C>T on the plus strand (G>A on the coding strand, the complement: OCA2 is on the minus strand). VCF-style: chr15-27955189-C-T. GRCh37 (hg19) VCF-style: chr15-28200335-C-T.
Other names: c.1739G>A, p.Trp580Ter (NM_001300984.2); short protein forms W580*, W604*.
Identifiers: ClinVar variation 2032179 (VCV002032179.5), dbSNP rs752232419, ClinGen allele CA7438897.

ClinVar aggregate classification (germline): Pathogenic. Review status: criteria provided, multiple submitters, no conflicts (2 of 4 stars). 2 submissions from 2 submitters: Pathogenic (2). Last evaluated 2026-05-13.

Conditions:
Tyrosinase-positive oculocutaneous albinism (OCA2). Also called: ALBINISM II; Oculocutaneous albinism type 2; Albinism, oculocutaneous, type II. Identifiers: Orphanet 79432, MedGen C0268495, MONDO:0008746, OMIM 203200.

Allele frequency attached by ClinVar (database versions not stated): ExAC 0.00001; gnomAD exomes below 0.00001; TOPMed 0.00001.
gnomAD v4.1: 1 of 1,612,350 alleles (0.000062%); highest among the groups gnomAD compares: African/African-American, 0.0013%; no homozygotes.

Submissions (2):

Myriad Genetics, Inc.
Classification: Pathogenic for Tyrosinase-positive oculocutaneous albinism. Last evaluated: 2026-05-13. Review status: criteria provided, single submitter. Criteria: Myriad Autosomal Dominant, Autosomal Recessive and X-Linked Classification Criteria (2023). Collection method: clinical testing. Allele origin: unknown.
Comment: NM_000275.2(OCA2):c.1811G>A(W604*) is expected to be pathogenic in the context of oculocutaneous albinism, OCA2-related. This variant is predicted to lead to an abnormal or absent protein product due to the creation of a premature termination codon in OCA2, a gene where loss-of-function variants are known to be pathogenic. Please note: this variant was assessed in the context of healthy population screening.

Labcorp Genetics (formerly Invitae), Labcorp
Classification: Pathogenic. Last evaluated: 2024-04-22. Review status: criteria provided, single submitter. Criteria: Invitae Variant Classification Sherloc (09022015). Collection method: clinical testing. Allele origin: germline.
Comment: This sequence change creates a premature translational stop signal (p.Trp604*) in the OCA2 gene. It is expected to result in an absent or disrupted protein product. Loss-of-function variants in OCA2 are known to be pathogenic (PMID: 19865097, 21541274). This variant is present in population databases (rs752232419, gnomAD 0.007%). This variant has not been reported in the literature in individuals affected with OCA2-related conditions. ClinVar contains an entry for this variant (Variation ID: 2032179). For these reasons, this variant has been classified as Pathogenic.

Literature cited by the submitters: PubMed 19865097 (cited by Labcorp Genetics (formerly Invitae), Labcorp); PubMed 21541274 (cited by Labcorp Genetics (formerly Invitae), Labcorp).